The following is an entry in ClinVar:

ClinVar aggregate classification (germline): Uncertain significance (1 of 4 stars; one submission).

Conditions:
Long QT syndrome (LQTS). Identifiers: MedGen C0023976, MeSH D008133, MONDO:0002442. Disease mechanism: loss of function. Inheritance: Various modes of inheritance.

Allele frequency attached by ClinVar (database versions not stated): gnomAD exomes below 0.00001.
gnomAD v4.1: 1 of 1,613,764 alleles (0.000062%); highest among the groups gnomAD compares: Non-Finnish European, 0.000085%; no homozygotes.

Submission:

Labcorp Genetics (formerly Invitae), Labcorp
Classification: Uncertain significance for Long QT syndrome. Last evaluated: 2022-03-11. Review status: criteria provided, single submitter. Criteria: Invitae Variant Classification Sherloc (09022015). Collection method: clinical testing. Allele origin: germline.
Comment: In summary, the available evidence is currently insufficient to determine the role of this variant in disease. Therefore, it has been classified as a Variant of Uncertain Significance. Algorithms developed to predict the effect of missense changes on protein structure and function output the following: SIFT: "Tolerated"; PolyPhen-2: "Benign"; Align-GVGD: "Class C0". The tyrosine amino acid residue is found in multiple mammalian species, which suggests that this missense change does not adversely affect protein function. This variant has not been reported in the literature in individuals affected with ANK2-related conditions. This variant is not present in population databases (gnomAD no frequency). This sequence change replaces cysteine, which is neutral and slightly polar, with tyrosine, which is neutral and polar, at codon 3706 of the ANK2 protein (p.Cys3706Tyr).

NM_001148.6(ANK2):c.11117G>A (p.Cys3706Tyr)

Gene: ANK2 (ankyrin 2; plus strand). Cytogenetic location: 4q26.
Variant type: single nucleotide variant.
Coding change: c.11117G>A on transcript NM_001148.6 (MANE Select); coding-DNA position 11117, G replaced by A.
Protein change: p.Cys3706Tyr; replaces cysteine 3706 with tyrosine.
Molecular consequence: missense variant.
Genome position (GRCh38, 1-based): chr4:113,367,650, G>A. VCF-style: chr4-113367650-G-A. GRCh37 (hg19) VCF-style: chr4-114288806-G-A.
Other names: c.4835G>A, p.Cys1612Tyr (NM_001127493.3); c.4874G>A, p.Cys1625Tyr (NM_001354225.2); c.4763G>A, p.Cys1588Tyr (NM_001354228.2, NM_001354258.2); c.4841G>A, p.Cys1614Tyr (NM_001354230.2); c.4904G>A, p.Cys1635Tyr (NM_001354231.2, NM_001354242.2); c.4898G>A, p.Cys1633Tyr (NM_001354232.2); c.4859G>A, p.Cys1620Tyr (NM_001354235.2, NM_001354246.2, NM_001354265.2); c.4760G>A, p.Cys1587Tyr (NM_001354236.2); and 35 more; short protein forms C1460Y, C1493Y, C1550Y, C1559Y, C1566Y, C1567Y, C1569Y, C1576Y.
Identifiers: ClinVar variation 2108846 (VCV002108846.4), dbSNP rs2507396859, ClinGen allele CA357942004.